The following is an entry in ClinVar:

NM_013275.6(ANKRD11):c.3038A>T (p.Asp1013Val)

Gene: ANKRD11 (ankyrin repeat domain 11; minus strand). Cytogenetic location: 16q24.3.
Variant type: single nucleotide variant.
Coding change: c.3038A>T on transcript NM_013275.6 (MANE Select); coding-DNA position 3038, A replaced by T.
Protein change: p.Asp1013Val; replaces aspartic acid 1013 with valine.
Molecular consequence: missense variant.
Genome position (GRCh38, 1-based): chr16:89,283,504, T>A on the plus strand (A>T on the coding strand, the complement: ANKRD11 is on the minus strand). VCF-style: chr16-89283504-T-A. GRCh37 (hg19) VCF-style: chr16-89349912-T-A.
Other names: c.3038A>T, p.Asp1013Val (NM_001256182.2, NM_001256183.2); short protein forms D1013V.
Identifiers: ClinVar variation 4802806 (VCV004802806.1).
Genomic context (GRCh38, chr16:89,283,504, plus strand): 5'-CTGGATTTCTCTTTGTATCTTTCTGGTTTTGTCTTCTCCTTCCTTTCCTTATCGGGGCCA[T>A]CCTTCTTCTCCTTCTCTCGTGCTGGGTGGTGCCGTTCCCACGGCTCCAGGCCCTTCCCAA-3'
Protein context (NP_037407.4, residues 1003-1023): HHPAREKEKK[Asp1013Val]GPDKERKEKT

ClinVar aggregate classification (germline): Uncertain significance (1 of 4 stars; one submission).

Conditions:
KBG syndrome (KBGS). Also called: ANKRD11-Related KBG Syndrome. Identifiers: Orphanet 2332, MedGen C0220687, MONDO:0007846, OMIM 148050.

Submission:

Labcorp Genetics (formerly Invitae), Labcorp
Classification: Uncertain significance for KBG syndrome. Last evaluated: 2026-01-14. Review status: criteria provided, single submitter. Criteria: Invitae Variant Classification Sherloc (09022015). Collection method: clinical testing. Allele origin: germline.
Comment: This sequence change replaces aspartic acid, which is acidic and polar, with valine, which is neutral and non-polar, at codon 1013 of the ANKRD11 protein (p.Asp1013Val). This variant is not present in population databases (gnomAD no frequency). This variant has not been reported in the literature in individuals affected with ANKRD11-related conditions. Invitae Evidence Modeling of protein sequence and biophysical properties (such as structural, functional, and spatial information, amino acid conservation, physicochemical variation, residue mobility, and thermodynamic stability) indicates that this missense variant is not expected to disrupt ANKRD11 protein function with a negative predictive value of 95%. In summary, the available evidence is currently insufficient to determine the role of this variant in disease. Therefore, it has been classified as a Variant of Uncertain Significance.